The following is an entry in ClinVar:

ClinVar aggregate classification (germline): Uncertain significance. Review status: criteria provided, multiple submitters, no conflicts (2 of 4 stars). 2 submissions from 2 submitters: Uncertain significance (2). Last evaluated 2024-12-17.

Allele frequency attached by ClinVar (database versions not stated): TOPMed below 0.00001.

Submissions (2):

Ambry Genetics
Classification: Uncertain significance. Last evaluated: 2024-12-17. Review status: criteria provided, single submitter. Criteria: Ambry Variant Classification Scheme 2023. Collection method: clinical testing. Allele origin: germline.
Comment: The p.K120R variant (also known as c.359A>G), located in coding exon 4 of the RASA2 gene, results from an A to G substitution at nucleotide position 359. The lysine at codon 120 is replaced by arginine, an amino acid with highly similar properties. This amino acid position is conserved. In addition, the in silico prediction for this alteration is inconclusive. Based on the available evidence, the clinical significance of this variant remains unclear.

Labcorp Genetics (formerly Invitae), Labcorp
Classification: Uncertain significance. Last evaluated: 2021-03-08. Review status: criteria provided, single submitter. Criteria: Invitae Variant Classification Sherloc (09022015). Collection method: clinical testing. Allele origin: germline.
Comment: Algorithms developed to predict the effect of missense changes on protein structure and function (SIFT, PolyPhen-2, Align-GVGD) all suggest that this variant is likely to be disruptive, but these predictions have not been confirmed by published functional studies and their clinical significance is uncertain. In summary, the available evidence is currently insufficient to determine the role of this variant in disease. Therefore, it has been classified as a Variant of Uncertain Significance. This variant has not been reported in the literature in individuals with RASA2-related conditions. This sequence change replaces lysine with arginine at codon 120 of the RASA2 protein (p.Lys120Arg). The lysine residue is highly conserved and there is a small physicochemical difference between lysine and arginine. This variant is not present in population databases (ExAC no frequency).

NM_006506.5(RASA2):c.359A>G (p.Lys120Arg)

Gene: RASA2 (RAS p21 protein activator 2; plus strand). Cytogenetic location: 3q23.
Variant type: single nucleotide variant.
Coding change: c.359A>G on transcript NM_006506.5 (MANE Select); coding-DNA position 359, A replaced by G.
Protein change: p.Lys120Arg; replaces lysine 120 with arginine.
Molecular consequence: missense variant.
Genome position (GRCh38, 1-based): chr3:141,529,711, A>G. VCF-style: chr3-141529711-A-G. GRCh37 (hg19) VCF-style: chr3-141248553-A-G.
Other names: c.359A>G, p.Lys120Arg (NM_001303245.3, NM_001303246.3); c.359A>G (NM_006506.2); short protein forms K120R.
Identifiers: ClinVar variation 1521374 (VCV001521374.9), dbSNP rs1672734235, ClinGen allele CA354771997.
Genomic context (GRCh38, chr3:141,529,711, plus strand): 5'-GAGTCTTAGGATTATACGAAGCATGTTTTCTTATATTGTTTTACTTATTTTCTGTAGGAA[A>G]AGTAGCCATCAAAAAAGAAGACTTGTGTAATCACAGTGGCAAAGAAACTTGGTTTTCATT-3'
Protein context (NP_006497.2, residues 110-130): NVLQRDLRIG[Lys120Arg]VAIKKEDLCN